The following is an entry in ClinVar:

ClinVar aggregate classification (germline): Uncertain significance (1 of 4 stars; one submission).

Conditions:
Hypertrophic cardiomyopathy 2. Also called: TNNT2-Related Familial Hypertrophic Cardiomyopathy. Identifiers: MedGen C1861864, MONDO:0007266, OMIM 115195.
Dilated cardiomyopathy 1D. Identifiers: Orphanet 154, Orphanet 54260, MedGen C1832243, MONDO:0011095, OMIM 601494.
Cardiomyopathy, familial restrictive, 3. Identifiers: Orphanet 75249, MedGen C2676271, MONDO:0012900, OMIM 612422.

Submission:

Labcorp Genetics (formerly Invitae), Labcorp
Classification: Uncertain significance for Cardiomyopathy, familial restrictive, 3; Hypertrophic cardiomyopathy 2; Dilated cardiomyopathy 1D. Last evaluated: 2023-10-23. Review status: criteria provided, single submitter. Criteria: Invitae Variant Classification Sherloc (09022015). Collection method: clinical testing. Allele origin: germline.
Comment: This sequence change replaces arginine, which is basic and polar, with glycine, which is neutral and non-polar, at codon 159 of the TNNT2 protein (p.Arg159Gly). This variant is not present in population databases (gnomAD no frequency). This variant has not been reported in the literature in individuals affected with TNNT2-related conditions. Advanced modeling of protein sequence and biophysical properties (such as structural, functional, and spatial information, amino acid conservation, physicochemical variation, residue mobility, and thermodynamic stability) performed at Invitae indicates that this missense variant is expected to disrupt TNNT2 protein function with a positive predictive value of 95%. In summary, the available evidence is currently insufficient to determine the role of this variant in disease. Therefore, it has been classified as a Variant of Uncertain Significance.

NM_001276345.2(TNNT2):c.505C>G (p.Arg169Gly)

Gene: TNNT2 (troponin T2, cardiac type; minus strand). Cytogenetic location: 1q32.1.
Variant type: single nucleotide variant.
Coding change: c.505C>G on transcript NM_001276345.2 (MANE Select); coding-DNA position 505, C replaced by G.
Protein change: p.Arg169Gly; replaces arginine 169 with glycine.
Molecular consequence: missense variant.
Genome position (GRCh38, 1-based): chr1:201,363,391, G>C on the plus strand (C>G on the coding strand, the complement: TNNT2 is on the minus strand). VCF-style: chr1-201363391-G-C. GRCh37 (hg19) VCF-style: chr1-201332519-G-C.
Other names: c.505C>G, p.Arg169Gly (NM_000364.4, NM_001406723.1); c.475C>G, p.Arg159Gly (NM_001001430.3, NM_001001431.3, NM_001276347.2 and 3 more transcripts); c.460C>G, p.Arg154Gly (NM_001001432.3, NM_001406728.1); c.385C>G, p.Arg129Gly (NM_001276346.2); c.472C>G, p.Arg158Gly (NM_001406725.1); short protein forms R158G, R154G, R169G, R129G, R159G.
Identifiers: ClinVar variation 2953222 (VCV002953222.3), dbSNP rs397516469, ClinGen allele CA344204620.
Genomic context (GRCh38, chr1:201,363,391, plus strand): 5'-ACAAAGCCTTCTTCTTCCGGGCCTCATCCTCAGCCTTCCTCCTGTTCTCCTCCTCCTCTC[G>C]TCGAGCCCTCTCTTCCTGATTTACAGCAGGGAGGAAGAAAGCAAATTAGGGGAAAGGATT-3'
Protein context (NP_001263274.1, residues 159-179): QNRLAEERAR[Arg169Gly]EEEENRRKAE